The following is an entry in ClinVar:

NM_015158.5(KANK1):c.3005+9A>T

Gene: KANK1 (KN motif and ankyrin repeat domains 1; plus strand). Cytogenetic location: 9p24.3.
Variant type: single nucleotide variant.
Coding change: c.3005+9A>T on transcript NM_015158.5 (MANE Select); 9 bases into the intron after coding-DNA position 3005, A replaced by T.
Molecular consequence: intron variant.
Genome position (GRCh38, 1-based): chr9:731,275, A>T. VCF-style: chr9-731275-A-T. GRCh37 (hg19) VCF-style: chr9-731275-A-T.
Other names: c.3005+9A>T (NM_015158.3, NM_001256876.3, NM_001354334.2 and 2 more transcripts); c.2531+9A>T (NM_001354333.2, NM_001354335.2, NM_001354337.2 and 5 more transcripts); c.2951+9A>T (NM_001354332.2); c.2477+9A>T (NM_001354336.2, NM_001354338.2, NM_001354340.2 and 1 more transcripts).
Identifiers: ClinVar variation 1607922 (VCV001607922.12), dbSNP rs184585076, ClinGen allele CA4960720.

ClinVar aggregate classification (germline): Benign/Likely benign. Review status: criteria provided, multiple submitters, no conflicts (2 of 4 stars). 5 submissions from 5 submitters: Benign (2); Likely benign (2). 1 of the submissions does not count toward it. Last evaluated 2025-12-25.

Conditions:
KANK1-related disorder. Also called: KANK1-related condition.
Cerebral palsy, spastic quadriplegic, 2 (CPSQ2). Identifiers: Orphanet 210141, MedGen C2752061, MONDO:0013033, OMIM 612900.

Allele frequency attached by ClinVar (database versions not stated): ESP Exome Variant Server 0.00031; gnomAD 0.00034; 1000 Genomes Project 30x 0.00062; 1000 Genomes Project 0.00080.
gnomAD v4.1: 605 of 1,521,202 alleles (0.04%); highest among the groups gnomAD compares: South Asian, 0.31%; 11 homozygotes.

Submissions (5):

Labcorp Genetics (formerly Invitae), Labcorp
Classification: Benign. Last evaluated: 2025-12-25. Review status: criteria provided, single submitter. Criteria: Invitae Variant Classification Sherloc (09022015). Collection method: clinical testing. Allele origin: germline.

Blueprint Genetics
Classification: Likely benign. Last evaluated: 2024-10-16. Review status: criteria provided, single submitter. Criteria: ACMG Guidelines, 2015. Collection method: clinical testing. Allele origin: germline.

Fulgent Genetics
Classification: Likely benign for Cerebral palsy, spastic quadriplegic, 2. Last evaluated: 2021-10-21. Review status: criteria provided, single submitter. Criteria: ACMG Guidelines, 2015. Collection method: clinical testing. Allele origin: unknown.

Breakthrough Genomics
Classification: Benign. Review status: criteria provided, single submitter. Criteria: ACMG Guidelines, 2015. Collection method: not provided. Allele origin: germline. Inheritance: Unknown mechanism. Affected: yes.

PreventionGenetics, part of Exact Sciences
Classification: Likely benign for KANK1-related condition. Last evaluated: 2019-06-27. Review status: no assertion criteria provided. Collection method: clinical testing. Allele origin: germline. Not counted in ClinVar's aggregate classification.
Comment: This variant is classified as likely benign based on ACMG/AMP sequence variant interpretation guidelines (Richards et al. 2015 PMID: 25741868, with internal and published modifications).